The following is an entry in ClinVar:

ClinVar aggregate classification (germline): Uncertain significance (1 of 4 stars; one submission).

Submission:

GeneDx
Classification: Uncertain significance. Last evaluated: 2024-09-04. Review status: criteria provided, single submitter. Criteria: GeneDx Variant Classification Process June 2021. Collection method: clinical testing. Allele origin: germline. Affected: yes.
Comment: Not observed at significant frequency in large population cohorts (gnomAD); In silico analysis supports that this missense variant has a deleterious effect on protein structure/function; Has not been previously published as pathogenic or benign to our knowledge

NM_032217.5(ANKRD17):c.2631A>T (p.Gln877His)

Gene: ANKRD17 (ankyrin repeat domain 17; minus strand). Cytogenetic location: 4q13.3.
Variant type: single nucleotide variant.
Coding change: c.2631A>T on transcript NM_032217.5 (MANE Select); coding-DNA position 2631, A replaced by T.
Protein change: p.Gln877His; replaces glutamine 877 with histidine.
Molecular consequence: missense variant. On other transcripts: intron variant (1).
Genome position (GRCh38, 1-based): chr4:73,139,985, T>A on the plus strand (A>T on the coding strand, the complement: ANKRD17 is on the minus strand). VCF-style: chr4-73139985-T-A. GRCh37 (hg19) VCF-style: chr4-74005702-T-A.
Other names: c.2292A>T, p.Gln764His (NM_001286771.3); c.2631A>T, p.Gln877His (NM_015574.2); c.2332+1756A>T (NM_198889.3); short protein forms Q764H, Q877H.
Identifiers: ClinVar variation 3767608 (VCV003767608.1).